The following is an entry in ClinVar:

NM_144631.6(ZNF513):c.342G>T (p.Glu114Asp)

Gene: ZNF513 (zinc finger protein 513; minus strand). Cytogenetic location: 2p23.3.
Variant type: single nucleotide variant.
Coding change: c.342G>T on transcript NM_144631.6 (MANE Select); coding-DNA position 342, G replaced by T.
Protein change: p.Glu114Asp; replaces glutamic acid 114 with aspartic acid.
Molecular consequence: missense variant.
Genome position (GRCh38, 1-based): chr2:27,378,924, C>A on the plus strand (G>T on the coding strand, the complement: ZNF513 is on the minus strand). VCF-style: chr2-27378924-C-A. GRCh37 (hg19) VCF-style: chr2-27601791-C-A.
Other names: c.156G>T, p.Glu52Asp (NM_001201459.2); short protein forms E114D, E52D.
Identifiers: ClinVar variation 2749774 (VCV002749774.3), dbSNP rs2465625672, ClinGen allele CA346218566.

ClinVar aggregate classification (germline): Uncertain significance (1 of 4 stars; one submission).

Submission:

Labcorp Genetics (formerly Invitae), Labcorp
Classification: Uncertain significance. Last evaluated: 2023-08-03. Review status: criteria provided, single submitter. Criteria: Invitae Variant Classification Sherloc (09022015). Collection method: clinical testing. Allele origin: germline.
Comment: In summary, the available evidence is currently insufficient to determine the role of this variant in disease. Therefore, it has been classified as a Variant of Uncertain Significance. An algorithm developed to predict the effect of missense changes on protein structure and function (PolyPhen-2) suggests that this variant is likely to be tolerated. This variant has not been reported in the literature in individuals affected with ZNF513-related conditions. This variant is not present in population databases (gnomAD no frequency). This sequence change replaces glutamic acid, which is acidic and polar, with aspartic acid, which is acidic and polar, at codon 114 of the ZNF513 protein (p.Glu114Asp).